The following is an entry in ClinVar:

ClinVar aggregate classification (germline): Uncertain significance (1 of 4 stars; one submission).

Conditions:
Cystic fibrosis (CF). Also called: MUCOVISCIDOSIS. Identifiers: Orphanet 586, MedGen C0010674, MONDO:0009061, OMIM 219700. Disease mechanism: loss of function.

Submission:

Ambry Genetics
Classification: Uncertain significance for Cystic fibrosis. Last evaluated: 2021-06-29. Review status: criteria provided, single submitter. Criteria: Ambry Variant Classification Scheme 2023. Collection method: clinical testing. Allele origin: germline.
Comment: The p.L235H variant (also known as c.704T>A), located in coding exon 6 of the CFTR gene, results from a T to A substitution at nucleotide position 704. The leucine at codon 235 is replaced by histidine, an amino acid with similar properties. This amino acid position is conserved. In addition, the in silico prediction for this alteration is inconclusive. Since supporting evidence is limited at this time, the clinical significance of this alteration remains unclear.

NM_000492.4(CFTR):c.704T>A (p.Leu235His)

Gene: CFTR (CF transmembrane conductance regulator; plus strand). Cytogenetic location: 7q31.2.
Variant type: single nucleotide variant.
Coding change: c.704T>A on transcript NM_000492.4 (MANE Select); coding-DNA position 704, T replaced by A.
Protein change: p.Leu235His; replaces leucine 235 with histidine.
Molecular consequence: missense variant.
Genome position (GRCh38, 1-based): chr7:117,535,372, T>A. VCF-style: chr7-117535372-T-A. GRCh37 (hg19) VCF-style: chr7-117175426-T-A.
Other names: short protein forms L235H.
Identifiers: ClinVar variation 1756878 (VCV001756878.2), dbSNP rs774888069, ClinGen allele CA368977102.